The following is an entry in ClinVar:

ClinVar aggregate classification (germline): Likely pathogenic (1 of 4 stars; one submission).

Conditions:
Autosomal dominant Alport syndrome (ATS3A). Also called: Alport syndrome dominant type; Renal failure and sensorineural hearing loss; ALPORT SYNDROME 3A, AUTOSOMAL DOMINANT. Identifiers: Orphanet 63, Orphanet 88918, MedGen C5882663, MONDO:0007086, OMIM 104200.
Autosomal recessive Alport syndrome (ATS2). Also called: ALPORT SYNDROME 2, AUTOSOMAL RECESSIVE; COL4A4 Alport Syndrome and Thin Basement Membrane Nephropathy; COL4A3-Related Nephropathy; Alport syndrome type 2. Identifiers: Orphanet 63, Orphanet 88919, MedGen C4746745, MONDO:0008762, OMIM 203780.

Submission:

Greenwood Genetic Center Diagnostic Laboratories, Greenwood Genetic Center
Classification: Likely pathogenic for Autosomal dominant Alport syndrome; Autosomal recessive Alport syndrome. Last evaluated: 2021-08-13. Review status: criteria provided, single submitter. Criteria: ACMG Guidelines, 2015. Collection method: clinical testing. Allele origin: germline. Affected: yes.
Comment: PM1, PM2, PM4

NM_000092.5(COL4A4):c.4349_4366del (p.Ile1450_Pro1455del)

Gene: COL4A4 (collagen type IV alpha 4 chain; minus strand). Cytogenetic location: 2q36.3.
Variant type: Deletion.
Coding change: c.4349_4366del on transcript NM_000092.5 (MANE Select); coding-DNA positions 4349 to 4366, 18 bases deleted (TTGGGGATCCTGGGCCCA).
Protein change: p.Ile1450_Pro1455del.
Molecular consequence: inframe deletion.
Genome position (GRCh38, 1-based): chr2:227,010,469-227,010,486, TGGGCCCAGGATCCCCAA deleted on the plus strand (TTGGGGATCCTGGGCCCA on the coding strand, the reverse complement: COL4A4 is on the minus strand); deleting any 18 consecutive bases within chr2:227,010,469-227,010,490 gives the same sequence; the c. name uses the placement nearest the transcript's 3' end. VCF-style (leftmost placement, unchanged base first): chr2-227010468-TTGGGCCCAGGATCCCCAA-T. GRCh37 (hg19) VCF-style: chr2-227875184-TTGGGCCCAGGATCCCCAA-T.
Identifiers: ClinVar variation 1334534 (VCV001334534.4), dbSNP rs2149745228, ClinGen allele CA2573051878.